The following is an entry in ClinVar:

ClinVar aggregate classification (germline): Uncertain significance (1 of 4 stars; one submission).

Conditions:
Idiopathic generalized epilepsy. Also called: Generalised epilepsy; EIG. Identifiers: MedGen C0270850, MONDO:0005579, OMIM 600669.
Hyperaldosteronism, familial, type IV (HALD4). Also called: FH IV; ALDOSTERONISM, PRIMARY, AND HYPERTENSION. Identifiers: Orphanet 642671, MedGen C4310756, MONDO:0014875, OMIM 617027.

Submission:

Labcorp Genetics (formerly Invitae), Labcorp
Classification: Uncertain significance for Idiopathic generalized epilepsy; Hyperaldosteronism, familial, type IV. Last evaluated: 2026-01-05. Review status: criteria provided, single submitter. Criteria: Invitae Variant Classification Sherloc (09022015). Collection method: clinical testing. Allele origin: germline.
Comment: This sequence change replaces phenylalanine, which is neutral and non-polar, with leucine, which is neutral and non-polar, at codon 81 of the CACNA1H protein (p.Phe81Leu). This variant is not present in population databases (gnomAD no frequency). This variant has not been reported in the literature in individuals affected with CACNA1H-related conditions. ClinVar contains an entry for this variant (Variation ID: 2936513). Invitae Evidence Modeling of protein sequence and biophysical properties (such as structural, functional, and spatial information, amino acid conservation, physicochemical variation, residue mobility, and thermodynamic stability) has been performed for this missense variant. However, the output from this modeling did not meet the statistical confidence thresholds required to predict the impact of this variant on CACNA1H protein function. In summary, the available evidence is currently insufficient to determine the role of this variant in disease. Therefore, it has been classified as a Variant of Uncertain Significance.

NM_021098.3(CACNA1H):c.241T>C (p.Phe81Leu)

Gene: CACNA1H (calcium voltage-gated channel subunit alpha1 H; plus strand). Cytogenetic location: 16p13.3.
Variant type: single nucleotide variant.
Coding change: c.241T>C on transcript NM_021098.3 (MANE Select); coding-DNA position 241, T replaced by C.
Protein change: p.Phe81Leu; replaces phenylalanine 81 with leucine.
Molecular consequence: missense variant.
Genome position (GRCh38, 1-based): chr16:1,153,978, T>C. VCF-style: chr16-1153978-T-C. GRCh37 (hg19) VCF-style: chr16-1203978-T-C.
Other names: c.241T>C, p.Phe81Leu (NM_001005407.2); short protein forms F81L.
Identifiers: ClinVar variation 2936513 (VCV002936513.3), dbSNP rs1302016197, ClinGen allele CA394145918.